The following is an entry in ClinVar:

ClinVar aggregate classification (germline): Conflicting classifications of pathogenicity. Review status: criteria provided, conflicting classifications (1 of 4 stars). 3 submissions from 3 submitters: Uncertain significance (2); Likely benign (1). Last evaluated 2025-11-17.

Conditions:
Multiple endocrine neoplasia, type 1 (MEN1). Also called: MEN I; WERMER SYNDROME; Endocrine adenomatosis multiple; MEN 1; MEA I. Identifiers: Orphanet 652, MedGen C0025267, MeSH D018761, MONDO:0007540, OMIM 131100.
Hereditary cancer-predisposing syndrome. Also called: Tumor predisposition; Hereditary Cancer Syndrome; Neoplastic Syndromes, Hereditary; Hereditary neoplastic syndrome. Identifiers: Orphanet 140162, MedGen C0027672, MeSH D009386, MONDO:0015356.

Submissions (3):

Labcorp Genetics (formerly Invitae), Labcorp
Classification: Likely benign for Multiple endocrine neoplasia, type 1. Last evaluated: 2025-11-17. Review status: criteria provided, single submitter. Criteria: Invitae Variant Classification Sherloc (09022015). Collection method: clinical testing. Allele origin: germline.

Ambry Genetics
Classification: Uncertain significance for Hereditary cancer-predisposing syndrome. Last evaluated: 2023-12-29. Review status: criteria provided, single submitter. Criteria: Ambry Variant Classification Scheme 2023. Collection method: clinical testing. Allele origin: germline.
Comment: The c.1392_1400delGGCCGAGGC variant (also known as p.A465_A467del) is located in coding exon 9 of the MEN1 gene. This variant results from an in-frame GGCCGAGGC deletion at nucleotide positions 1392 to 1400. This results in the in-frame deletion of 3 amino acids (AEA) at codons 465 to 467. This amino acid region is well conserved in available vertebrate species. In addition, the in silico prediction for this alteration is inconclusive (Choi Y et al. PLoS ONE. 2012; 7(10):e46688). Since supporting evidence is limited at this time, the clinical significance of this alteration remains unclear.

All of Us Research Program, National Institutes of Health
Classification: Uncertain significance for Multiple endocrine neoplasia, type 1. Last evaluated: 2023-04-03. Review status: criteria provided, single submitter. Criteria: ACMG Guidelines, 2015. Collection method: clinical testing. Allele origin: germline. Inheritance: Autosomal dominant inheritance. Observed: 1 variant allele, 1 heterozygote.
Comment: This variant results in the in-frame deletion of three amino acids in the MEN1 protein. To our knowledge, functional studies have not been reported for this variant. This variant has not been reported in individuals affected with MEN1-related disorders in the literature. This variant has been identified in 1/224844 chromosomes in the general population by the Genome Aggregation Database (gnomAD). The available evidence is insufficient to determine the role of this variant in disease conclusively. Therefore, this variant is classified as a Variant of Uncertain Significance.

This study involves interpretation of variants in research participants for the purpose of population health screening. Participant phenotype was not available at the time of variant classification. Additional details can be found in publication PMID: 35346344, PMCID: PMC8962531

NM_001370259.2(MEN1):c.1383GGCCGAGGC[1] (p.462AEA[1])

Gene: MEN1 (menin 1; minus strand). Cytogenetic location: 11q13.1.
Variant type: Microsatellite.
Coding change: c.1383GGCCGAGGC[1] on transcript NM_001370259.2 (MANE Select); one copy of the 9-base unit GGCCGAGGC starting at c.1383; the reference has two copies in a row; one copy, 9 bases deleted.
Protein change: p.462AEA[1].
Molecular consequence: inframe deletion.
Genome position (GRCh38, 1-based): chr11:64,804,767-64,804,775, GCCTCGGCC deleted on the plus strand (GGCCGAGGC on the coding strand, the reverse complement: MEN1 is on the minus strand); deleting any 9 consecutive bases within chr11:64,804,767-64,804,784 gives the same sequence; the position shown is the placement nearest the transcript's 3' end. VCF-style (leftmost placement, unchanged base first): chr11-64804766-GGCCTCGGCC-G. GRCh37 (hg19) VCF-style: chr11-64572238-GGCCTCGGCC-G.
Other names: c.1392_1400delGGCCGAGGC (NM_130799.2); c.1398GGCCGAGGC[1], p.467AEA[1] (NM_000244.4, NM_130800.3, NM_130801.3 and 3 more transcripts); c.1509GGCCGAGGC[1], p.504AEA[1] (NM_001370251.2); c.1383GGCCGAGGC[1], p.462AEA[1] (NM_001370260.2, NM_001370261.2, NM_130799.3); c.1278GGCCGAGGC[1], p.427AEA[1] (NM_001370262.2, NM_001370263.2).
Identifiers: ClinVar variation 1012107 (VCV001012107.8), dbSNP rs772978541, ClinGen allele CA6082219.